The following is an entry in ClinVar:

ClinVar aggregate classification (germline): Conflicting classifications of pathogenicity. Review status: criteria provided, conflicting classifications (1 of 4 stars). 3 submissions from 3 submitters: Uncertain significance (1); Likely benign (2). Last evaluated 2025-10-08.

Conditions:
Bardet-Biedl syndrome 9 (BBS9). Identifiers: Orphanet 110, MedGen C1859567, MONDO:0014437, OMIM 615986.
BBS9-related disorder. Also called: BBS9-related condition.
Bardet-Biedl syndrome (BBS). Identifiers: Orphanet 110, MedGen C0752166, MONDO:0015229.

Allele frequency attached by ClinVar (database versions not stated): ExAC 0.00001; gnomAD exomes 0.00002; TOPMed 0.00002; gnomAD 0.00004.
gnomAD v4.1: 47 of 1,613,448 alleles (0.0029%); highest among the groups gnomAD compares: Non-Finnish European, 0.0037%; no homozygotes.

Submissions (3):

PreventionGenetics, part of Exact Sciences
Classification: Likely benign for BBS9-related condition. Last evaluated: 2025-10-08. Review status: criteria provided, single submitter. Criteria: ACMG Guidelines, 2015. Collection method: clinical testing. Allele origin: germline.
Comment: This variant is classified as likely benign based on ACMG/AMP sequence variant interpretation guidelines (Richards et al. 2015 PMID: 25741868, with internal and published modifications).

Labcorp Genetics (formerly Invitae), Labcorp
Classification: Likely benign for Bardet-Biedl syndrome. Last evaluated: 2025-02-22. Review status: criteria provided, single submitter. Criteria: Invitae Variant Classification Sherloc (09022015). Collection method: clinical testing. Allele origin: germline.

Illumina Laboratory Services, Illumina
Classification: Uncertain significance for Bardet-Biedl syndrome 9. Last evaluated: 2018-01-13. Review status: criteria provided, single submitter. Criteria: ICSL Variant Classification Criteria 13 December 2019. Collection method: clinical testing. Allele origin: germline.

NM_198428.3(BBS9):c.715C>T (p.Leu239=)

Gene: BBS9 (Bardet-Biedl syndrome 9; plus strand). Cytogenetic location: 7p14.3.
Variant type: single nucleotide variant.
Coding change: c.715C>T on transcript NM_198428.3 (MANE Select); coding-DNA position 715, C replaced by T.
Protein change: p.Leu239=; no amino-acid change (leucine 239 retained).
Molecular consequence: synonymous variant. On other transcripts: non-coding transcript variant (3).
Genome position (GRCh38, 1-based): chr7:33,273,024, C>T. VCF-style: chr7-33273024-C-T. GRCh37 (hg19) VCF-style: chr7-33312636-C-T.
Other names: c.715C>T, p.Leu239= (NM_001033604.2, NM_001033605.2, NM_001348036.1 and 5 more transcripts); c.349C>T, p.Leu117= (NM_001348037.3, NM_001348044.3, NM_001348045.3 and 1 more transcripts); c.442C>T, p.Leu148= (NM_001348038.3, NM_001348039.3); c.580C>T, p.Leu194= (NM_001348042.3).
Identifiers: ClinVar variation 910916 (VCV000910916.13), dbSNP rs751112173, ClinGen allele CA4214096.